The following is an entry in ClinVar:

NM_000017.4(ACADS):c.215A>G (p.Lys72Arg)

Gene: ACADS (acyl-CoA dehydrogenase short chain; plus strand). Cytogenetic location: 12q24.31.
Variant type: single nucleotide variant.
Coding change: c.215A>G on transcript NM_000017.4 (MANE Select); coding-DNA position 215, A replaced by G.
Protein change: p.Lys72Arg; replaces lysine 72 with arginine.
Molecular consequence: missense variant.
Genome position (GRCh38, 1-based): chr12:120,736,990, A>G. VCF-style: chr12-120736990-A-G. GRCh37 (hg19) VCF-style: chr12-121174793-A-G.
Other names: c.215A>G, p.Lys72Arg (NM_001302554.2); short protein forms K72R.
Identifiers: ClinVar variation 1979220 (VCV001979220.3), dbSNP rs142476255, ClinGen allele CA6830795.

ClinVar aggregate classification (germline): Uncertain significance (1 of 4 stars; one submission).

Conditions:
Deficiency of butyryl-CoA dehydrogenase (ACADSD). Also called: SCADH DEFICIENCY; ACADS DEFICIENCY; SCAD Deficiency; Short-Chain Acyl-CoA Dehydrogenase Deficiency; SCAD DEFICIENCY, MILD; ACYL-CoA DEHYDROGENASE, SHORT-CHAIN, DEFICIENCY OF. Identifiers: Orphanet 26792, MedGen C0342783, MONDO:0008722, OMIM 201470. Disease mechanism: May be benign.

Allele frequency attached by ClinVar (database versions not stated): gnomAD exomes below 0.00001; ExAC 0.00001; gnomAD 0.00001; TOPMed 0.00002; ESP Exome Variant Server 0.00008.
gnomAD v4.1: 5 of 1,607,384 alleles (0.00031%); highest among the groups gnomAD compares: African/African-American, 0.0053%; no homozygotes.

Submission:

Labcorp Genetics (formerly Invitae), Labcorp
Classification: Uncertain significance for Deficiency of butyryl-CoA dehydrogenase. Last evaluated: 2022-01-07. Review status: criteria provided, single submitter. Criteria: Invitae Variant Classification Sherloc (09022015). Collection method: clinical testing. Allele origin: germline.
Comment: This sequence change replaces lysine, which is basic and polar, with arginine, which is basic and polar, at codon 72 of the ACADS protein (p.Lys72Arg). This variant is present in population databases (rs142476255, gnomAD 0.007%). This variant has not been reported in the literature in individuals affected with ACADS-related conditions. Advanced modeling of protein sequence and biophysical properties (such as structural, functional, and spatial information, amino acid conservation, physicochemical variation, residue mobility, and thermodynamic stability) performed at Invitae indicates that this missense variant is not expected to disrupt ACADS protein function. Algorithms developed to predict the effect of sequence changes on RNA splicing suggest that this variant may create or strengthen a splice site. In summary, the available evidence is currently insufficient to determine the role of this variant in disease. Therefore, it has been classified as a Variant of Uncertain Significance.